The following is an entry in ClinVar:

NM_001142864.4(PIEZO1):c.2738C>T (p.Pro913Leu)

Genes: HSALR1 (HSP90AB1 associated lncRNA 1; plus strand), PIEZO1 (piezo type mechanosensitive ion channel component 1 (Er blood group); minus strand). Cytogenetic location: 16q24.3.
Variant type: single nucleotide variant.
Coding change: c.2738C>T on transcript NM_001142864.4 (MANE Select); coding-DNA position 2738, C replaced by T.
Protein change: p.Pro913Leu; replaces proline 913 with leucine.
Molecular consequence: missense variant.
Genome position (GRCh38, 1-based): chr16:88,732,659, G>A on the plus strand (C>T on the coding strand, the complement: PIEZO1 is on the minus strand). VCF-style: chr16-88732659-G-A. GRCh37 (hg19) VCF-style: chr16-88799067-G-A.
Other names: c.1280C>T, p.Pro427Leu (NM_014745.1); short protein forms P427L, P913L.
Identifiers: ClinVar variation 2636964 (VCV002636964.1), dbSNP rs1024011676, ClinGen allele CA397110596.

ClinVar aggregate classification (germline): Uncertain significance (1 of 4 stars; one submission).

Conditions:
PIEZO1-related disorder. Also called: PIEZO1-related condition; PIEZO1-Related Disorders.

Allele frequency attached by ClinVar (database versions not stated): gnomAD exomes below 0.00001.
gnomAD v4.1: 4 of 1,549,740 alleles (0.00026%); highest among the groups gnomAD compares: Non-Finnish European, 0.00035%; no homozygotes.

Submission:

PreventionGenetics, part of Exact Sciences
Classification: Uncertain significance for PIEZO1-related condition. Last evaluated: 2022-09-23. Review status: criteria provided, single submitter. Criteria: ACMG Guidelines, 2015. Collection method: clinical testing. Allele origin: germline.
Comment: The PIEZO1 c.2738C>T variant is predicted to result in the amino acid substitution p.Pro913Leu. To our knowledge, this variant has not been reported in the literature or in a large population database, indicating this variant is rare. At this time, the clinical significance of this variant is uncertain due to the absence of conclusive functional and genetic evidence.